The following is an entry in ClinVar:

ClinVar aggregate classification (germline): Benign (1 of 4 stars; one submission).

Submission:

GeneDx
Classification: Benign. Last evaluated: 2012-05-24. Review status: criteria provided, single submitter. Criteria: GeneDx Variant Classification (06012015). Collection method: clinical testing. Allele origin: germline. Affected: yes.
Comment: This variant is considered likely benign or benign based on one or more of the following criteria: it is a conservative change, it occurs at a poorly conserved position in the protein, it is predicted to be benign by multiple in silico algorithms, and/or has population frequency not consistent with disease.

NM_000256.3(MYBPC3):c.909-19A>C

Gene: MYBPC3 (myosin binding protein C3; minus strand). Cytogenetic location: 11p11.2.
Variant type: single nucleotide variant.
Coding change: c.909-19A>C on transcript NM_000256.3 (MANE Select); 19 bases into the intron before coding-DNA position 909, A replaced by C.
Genome position (GRCh38, 1-based): chr11:47,346,663, T>G on the plus strand (A>C on the coding strand, the complement: MYBPC3 is on the minus strand). VCF-style: chr11-47346663-T-G. GRCh37 (hg19) VCF-style: chr11-47368214-T-G.
Other names: c.909-19A>C (LRG_386t1).
Identifiers: ClinVar variation 138323 (VCV000138323.1), dbSNP rs587781043, ClinGen allele CA016045.